The following is an entry in ClinVar:

NM_022436.3(ABCG5):c.80G>C (p.Gly27Ala)

Gene: ABCG5 (ATP binding cassette subfamily G member 5; minus strand). Cytogenetic location: 2p21.
Variant type: single nucleotide variant.
Coding change: c.80G>C on transcript NM_022436.3 (MANE Select); coding-DNA position 80, G replaced by C.
Protein change: p.Gly27Ala; replaces glycine 27 with alanine.
Molecular consequence: missense variant.
Genome position (GRCh38, 1-based): chr2:43,838,600, C>G on the plus strand (G>C on the coding strand, the complement: ABCG5 is on the minus strand). VCF-style: chr2-43838600-C-G. GRCh37 (hg19) VCF-style: chr2-44065739-C-G.
Other names: short protein forms G27A.
Identifiers: ClinVar variation 283529 (VCV000283529.68), dbSNP rs56204478, ClinGen allele CA1636806.

ClinVar aggregate classification (germline): Conflicting classifications of pathogenicity. Review status: criteria provided, conflicting classifications (1 of 4 stars). 13 submissions from 13 submitters: Uncertain significance (2); Benign (2); Likely benign (5). 4 of the submissions do not count toward it. Last evaluated 2026-09-01.

Conditions:
Sitosterolemia 1. Identifiers: MedGen C2749759, MONDO:0020747, OMIM 210250.
ABCG5-related disorder. Also called: ABCG5-related condition.
Cardiovascular phenotype. Identifiers: MedGen CN230736.
Sitosterolemia (STSL). Also called: PHYTOSTEROLEMIA. Identifiers: Orphanet 2882, MedGen C0342907, MONDO:0008863.
Thrombocytopenia. Identifiers: MedGen C0040034, MeSH D013921, MONDO:0002049, HP:0001873.

Allele frequency attached by ClinVar (database versions not stated): 1000 Genomes Project 30x 0.00109; 1000 Genomes Project 0.00120; gnomAD 0.00275 and 0.00282; TOPMed 0.00277; gnomAD exomes 0.00308; ESP Exome Variant Server 0.00377; ExAC 0.00428.
gnomAD v4.1: 6,194 of 1,611,906 alleles (0.38%); highest among the groups gnomAD compares: Non-Finnish European, 0.48%; 17 homozygotes.

Submissions (13):

CeGaT Center for Human Genetics Tuebingen
Classification: Likely benign. Last evaluated: 2026-09-01. Review status: criteria provided, single submitter. Criteria: CeGaT Center For Human Genetics Tuebingen Variant Classification Criteria Version 2. Collection method: clinical testing. Allele origin: germline. Affected: yes. Observed: 15 variant alleles.
Comment: ABCG5: BP4, BS2

Labcorp Genetics (formerly Invitae), Labcorp
Classification: Likely benign for Sitosterolemia. Last evaluated: 2026-02-03. Review status: criteria provided, single submitter. Criteria: Invitae Variant Classification Sherloc (09022015). Collection method: clinical testing. Allele origin: germline.

Women's Health and Genetics/Laboratory Corporation of America, LabCorp
Classification: Likely benign. Last evaluated: 2025-12-15. Review status: criteria provided, single submitter. Criteria: LabCorp Variant Classification Summary - May 2015. Collection method: clinical testing. Allele origin: germline.
Comment: Variant summary: ABCG5 c.80G>C (p.Gly27Ala) results in a non-conservative amino acid change in the encoded protein sequence. Algorithms developed to predict the effect of missense changes on protein structure and function are either unavailable or do not agree on the potential impact of this missense change. The variant allele was found at a frequency of 0.0031 in 243186 control chromosomes, predominantly at a frequency of 0.0057 within the Non-Finnish European subpopulation in the gnomAD database, including 4 homozygotes. The observed variant frequency within Non-Finnish European control individuals in the gnomAD database exceeds the estimated maximal expected allele frequency for disease-causing variants in ABCG5. c.80G>C has been reported in individuals affected with dyslipidemia, platelet function disorder,and Acute myocardial infarction (Johansen_2014, Downes_2019, Pan-Lizcano_2022). These report(s) do not provide unequivocal conclusions about association of the variant with Early Onset Coronary Artery Disease. To our knowledge, no experimental evidence demonstrating an impact on protein function has been reported. The following publications have been ascertained in the context of this evaluation (PMID: 31064749, 24503134, 36555767). ClinVar contains an entry for this variant (Variation ID: 283529). Based on the evidence outlined above, the variant was classified as likely benign.

Blueprint Genetics
Classification: Likely benign. Last evaluated: 2024-11-25. Review status: criteria provided, single submitter. Criteria: ACMG Guidelines, 2015. Collection method: clinical testing. Allele origin: germline.

GeneDx
Classification: Benign. Last evaluated: 2021-04-09. Review status: criteria provided, single submitter. Criteria: GeneDx Variant Classification Process June 2021. Collection method: clinical testing. Allele origin: germline. Affected: yes.
Comment: This variant is associated with the following publications: (PMID: 32088153, 24503134)

Ambry Genetics
Classification: Benign for Cardiovascular phenotype. Last evaluated: 2020-08-25. Review status: criteria provided, single submitter. Criteria: Ambry Variant Classification Scheme 2023. Collection method: clinical testing. Allele origin: germline.

NIHR Bioresource Rare Diseases, University of Cambridge
Classification: Uncertain significance for Thrombocytopenia. Last evaluated: 2019-02-01. Review status: criteria provided, single submitter. Criteria: ACMG Guidelines, 2015. Collection method: research. Allele origin: unknown. Affected: yes. Observed: 1 compound heterozygote. Study: ThromboGenomics.

Eurofins Ntd Llc (ga)
Classification: Uncertain significance. Last evaluated: 2018-07-31. Review status: criteria provided, single submitter. Criteria: EGL ClinVar v180209 classification definitions. Collection method: clinical testing. Allele origin: germline. Observed: 17 variant alleles, 17 heterozygotes.

Illumina Laboratory Services, Illumina
Classification: Likely benign for Sitosterolemia 1. Last evaluated: 2018-01-13. Review status: criteria provided, single submitter. Criteria: ICSL Variant Classification Criteria 13 December 2019. Collection method: clinical testing. Allele origin: germline.
Comment: This variant was observed in the ICSL laboratory as part of a predisposition screen in an ostensibly healthy population. It had not been previously curated by ICSL or reported in the Human Gene Mutation Database (HGMD: prior to June 1st, 2018), and was therefore a candidate for classification through an automated scoring system. Utilizing variant allele frequency, disease prevalence and penetrance estimates, and inheritance mode, an automated score was calculated to assess if this variant is too frequent to cause the disease. Based on the score and internal cut-off values, a variant classified as likely benign is not then subjected to further curation. The score for this variant resulted in a classification of likely benign for this disease.

PreventionGenetics, part of Exact Sciences
Classification: Likely benign for ABCG5-related condition. Last evaluated: 2019-11-11. Review status: no assertion criteria provided. Collection method: clinical testing. Allele origin: germline. Not counted in ClinVar's aggregate classification.
Comment: This variant is classified as likely benign based on ACMG/AMP sequence variant interpretation guidelines (Richards et al. 2015 PMID: 25741868, with internal and published modifications).

Clinical Genetics DNA and cytogenetics Diagnostics Lab, Erasmus MC, Erasmus Medical Center
Classification: Likely benign. Review status: no assertion criteria provided. Collection method: clinical testing. Allele origin: germline. Affected: yes. Study: VKGL Data-share Consensus. Not counted in ClinVar's aggregate classification.

Clinical Genetics, Academic Medical Center
Classification: Benign. Review status: no assertion criteria provided. Collection method: clinical testing. Allele origin: germline. Affected: yes. Study: VKGL Data-share Consensus. Not counted in ClinVar's aggregate classification.

Genome Diagnostics Laboratory, University Medical Center Utrecht
Classification: Benign. Review status: no assertion criteria provided. Collection method: clinical testing. Allele origin: germline. Affected: yes. Study: VKGL Data-share Consensus. Not counted in ClinVar's aggregate classification.

Literature cited by the submitters: PubMed 24503134 (cited by Women's Health and Genetics/Laboratory Corporation of America, LabCorp); PubMed 31064749 (cited by Women's Health and Genetics/Laboratory Corporation of America, LabCorp and NIHR Bioresource Rare Diseases, University of Cambridge); PubMed 36555767 (cited by Women's Health and Genetics/Laboratory Corporation of America, LabCorp).